The following is an entry in ClinVar:

ClinVar aggregate classification (germline): Uncertain significance (1 of 4 stars; one submission).

gnomAD v4.1: 16 of 1,614,030 alleles (0.00099%); highest among the groups gnomAD compares: Admixed American, 0.0017%; no homozygotes.

Submission:

Labcorp Genetics (formerly Invitae), Labcorp
Classification: Uncertain significance. Last evaluated: 2023-12-07. Review status: criteria provided, single submitter. Criteria: Invitae Variant Classification Sherloc (09022015). Collection method: clinical testing. Allele origin: germline.
Comment: This sequence change replaces arginine, which is basic and polar, with tryptophan, which is neutral and slightly polar, at codon 666 of the UTP4 protein (p.Arg666Trp). This variant is present in population databases (no rsID available, gnomAD 0.004%). This variant has not been reported in the literature in individuals affected with UTP4-related conditions. ClinVar contains an entry for this variant (Variation ID: 2070007). Advanced modeling of protein sequence and biophysical properties (such as structural, functional, and spatial information, amino acid conservation, physicochemical variation, residue mobility, and thermodynamic stability) performed at Invitae indicates that this missense variant is expected to disrupt UTP4 protein function with a positive predictive value of 80%. Algorithms developed to predict the effect of sequence changes on RNA splicing suggest that this variant may disrupt the consensus splice site. In summary, the available evidence is currently insufficient to determine the role of this variant in disease. Therefore, it has been classified as a Variant of Uncertain Significance.

NM_032830.3(UTP4):c.1996C>T (p.Arg666Trp)

Gene: UTP4 (UTP4 small subunit processome component). Cytogenetic location: 16q22.1.
Variant type: single nucleotide variant.
Coding change: c.1996C>T on transcript NM_032830.3 (MANE Select); coding-DNA position 1996, C replaced by T.
Protein change: p.Arg666Trp; replaces arginine 666 with tryptophan.
Molecular consequence: missense variant.
Genome position (GRCh38, 1-based): chr16:69,168,872, C>T. VCF-style: chr16-69168872-C-T. GRCh37 (hg19) VCF-style: chr16-69202775-C-T.
Other names: c.1747C>T, p.Arg583Trp (NM_001318391.2); short protein forms R583W, R666W.
Identifiers: ClinVar variation 2070007 (VCV002070007.4), dbSNP rs1482637854, ClinGen allele CA396511039.